The following is an entry in ClinVar:

ClinVar aggregate classification (germline): Benign (1 of 4 stars; one submission).

Allele frequency attached by ClinVar (database versions not stated): 1000 Genomes Project 30x 0.82948; 1000 Genomes Project 0.83227; TOPMed 0.85217; gnomAD 0.86196 and 0.86396.
gnomAD v4.1: 131,401 of 151,962 alleles (86%); highest among the groups gnomAD compares: Non-Finnish European, 93%; 57,733 homozygotes.

Submission:

GeneDx
Classification: Benign. Last evaluated: 2018-06-14. Review status: criteria provided, single submitter. Criteria: GeneDx Variant Classification (06012015). Collection method: clinical testing. Allele origin: germline. Affected: yes.
Comment: This variant is considered likely benign or benign based on one or more of the following criteria: it is a conservative change, it occurs at a poorly conserved position in the protein, it is predicted to be benign by multiple in silico algorithms, and/or has population frequency not consistent with disease.

NM_001876.4(CPT1A):c.1876-203G>A

Gene: CPT1A (carnitine palmitoyltransferase 1A; minus strand). Cytogenetic location: 11q13.3.
Variant type: single nucleotide variant.
Coding change: c.1876-203G>A on transcript NM_001876.4 (MANE Select); 203 bases into the intron before coding-DNA position 1876, G replaced by A.
Molecular consequence: intron variant.
Genome position (GRCh38, 1-based): chr11:68,761,890, C>T on the plus strand (G>A on the coding strand, the complement: CPT1A is on the minus strand). VCF-style: chr11-68761890-C-T. GRCh37 (hg19) VCF-style: chr11-68529358-C-T.
Other names: c.1876-203G>A (NM_001031847.3).
Identifiers: ClinVar variation 673761 (VCV000673761.1), dbSNP rs3019597, ClinGen allele CA223366529.